The following is an entry in ClinVar:

NM_021614.4(KCNN2):c.611A>G (p.Glu204Gly)

Gene: KCNN2 (potassium calcium-activated channel subfamily N member 2; plus strand). Cytogenetic location: 5q22.3.
Variant type: single nucleotide variant.
Coding change: c.611A>G on transcript NM_021614.4 (MANE Select); coding-DNA position 611, A replaced by G.
Protein change: p.Glu204Gly; replaces glutamic acid 204 with glycine.
Molecular consequence: missense variant. On other transcripts: non-coding transcript variant (1).
Genome position (GRCh38, 1-based): chr5:114,362,750, A>G. VCF-style: chr5-114362750-A-G. GRCh37 (hg19) VCF-style: chr5-113698447-A-G.
Other names: c.809A>G, p.Glu270Gly (NM_001372233.1); short protein forms E204G, E270G.
Identifiers: ClinVar variation 3773714 (VCV003773714.2).
Genomic context (GRCh38, chr5:114,362,750, plus strand): 5'-ACCACCACCACCACCCGCACCCGGCGCACCACCAGCACCACCAGCCCCAGGCGCGCCGCG[A>G]GAGCAACCCCTTCACCGAAATAGCCATGAGCAGCTGCAGGTACAACGGGGGCGTCATGCG-3'
Protein context (NP_067627.3, residues 194-214): HQHHQPQARR[Glu204Gly]SNPFTEIAMS

ClinVar aggregate classification (germline): Uncertain significance (1 of 4 stars; one submission).

Conditions:
Neurodevelopmental disorder with or without variable movement or behavioral abnormalities (NEDMAB). Identifiers: MedGen C5676908, MONDO:0859225, OMIM 619725.

Submission:

Institute of Human Genetics, University of Leipzig Medical Center
Classification: Uncertain significance for Neurodevelopmental disorder with or without variable movement or behavioral abnormalities. Last evaluated: 2025-03-04. Review status: criteria provided, single submitter. Criteria: ACMG Guidelines, 2015. Collection method: clinical testing. Allele origin: de novo. Inheritance: Autosomal dominant inheritance. Affected: yes.
Comment: Criteria applied: PM2_SUP,PS2